The following is an entry in ClinVar:

ClinVar aggregate classification (germline): Uncertain significance (1 of 4 stars; one submission).

Conditions:
Hereditary cancer-predisposing syndrome. Also called: Neoplastic Syndromes, Hereditary; Tumor predisposition; Hereditary neoplastic syndrome; Hereditary Cancer Syndrome. Identifiers: Orphanet 140162, MedGen C0027672, MeSH D009386, MONDO:0015356.

Submission:

Ambry Genetics
Classification: Uncertain significance for Hereditary cancer-predisposing syndrome. Last evaluated: 2024-02-23. Review status: criteria provided, single submitter. Criteria: Ambry Variant Classification Scheme 2023. Collection method: clinical testing. Allele origin: germline.
Comment: The p.V569F variant (also known as c.1705G>T), located in coding exon 11 of the KIT gene, results from a G to T substitution at nucleotide position 1705. The valine at codon 569 is replaced by phenylalanine, an amino acid with highly similar properties. This amino acid position is conserved. In addition, this alteration is predicted to be deleterious by in silico analysis. Based on the available evidence, the clinical significance of this alteration remains unclear.

NM_000222.3(KIT):c.1705G>T (p.Val569Phe)

Gene: KIT (KIT proto-oncogene, receptor tyrosine kinase; plus strand). Cytogenetic location: 4q12.
Variant type: single nucleotide variant.
Coding change: c.1705G>T on transcript NM_000222.3 (MANE Select); coding-DNA position 1705, G replaced by T.
Protein change: p.Val569Phe; replaces valine 569 with phenylalanine.
Molecular consequence: missense variant.
Genome position (GRCh38, 1-based): chr4:54,727,473, G>T. VCF-style: chr4-54727473-G-T. GRCh37 (hg19) VCF-style: chr4-55593639-G-T.
Other names: c.1693G>T, p.Val565Phe (NM_001093772.2, NM_001385286.1); c.1708G>T, p.Val570Phe (NM_001385284.1, NM_001385290.1); c.1705G>T, p.Val569Phe (NM_001385285.1); c.1696G>T, p.Val566Phe (NM_001385288.1, NM_001385292.1); short protein forms V565F, V566F, V569F, V570F.
Identifiers: ClinVar variation 3230657 (VCV003230657.1), dbSNP rs1464893716, ClinGen allele CA356907530.